The following is an entry in ClinVar:

ClinVar aggregate classification (germline): Pathogenic. Review status: criteria provided, multiple submitters, no conflicts (2 of 4 stars). 2 submissions from 2 submitters: Pathogenic (2). Last evaluated 2024-05-31.

Conditions:
Neurofibromatosis, type 1 (NF1). Also called: Neurofibromatosis, type I; Peripheral type neurofibromatosis; NEUROFIBROMATOSIS, TYPE I, SOMATIC; VON RECKLINGHAUSEN DISEASE. Identifiers: Orphanet 636, MedGen C0027831, MONDO:0018975, OMIM 162200. Disease mechanism: loss of function.
NF1-related disorder. Also called: NF1-related condition. Identifiers: MedGen CN379171.

Submissions (2):

Blueprint Genetics
Classification: Pathogenic for NF1-related disorders. Last evaluated: 2024-05-31. Review status: criteria provided, single submitter. Criteria: ACMG Guidelines, 2015. Collection method: clinical testing. Allele origin: germline. Affected: yes. Observed: 1 variant allele.

Labcorp Genetics (formerly Invitae), Labcorp
Classification: Pathogenic for Neurofibromatosis, type 1. Last evaluated: 2022-03-18. Review status: criteria provided, single submitter. Criteria: Invitae Variant Classification Sherloc (09022015). Collection method: clinical testing. Allele origin: germline.
Comment: For these reasons, this variant has been classified as Pathogenic. ClinVar contains an entry for this variant (Variation ID: 569878). This premature translational stop signal has been observed in individual(s) with features of neurofibromatosis, type 1 (PMID: 21520333; Invitae). This variant is not present in population databases (gnomAD no frequency). This sequence change creates a premature translational stop signal (p.Val723Trpfs*25) in the NF1 gene. It is expected to result in an absent or disrupted protein product. Loss-of-function variants in NF1 are known to be pathogenic (PMID: 10712197, 23913538).

Literature cited by the submitters: PubMed 21520333 (cited by Labcorp Genetics (formerly Invitae), Labcorp); PubMed 10712197 (cited by Labcorp Genetics (formerly Invitae), Labcorp); PubMed 23913538 (cited by Labcorp Genetics (formerly Invitae), Labcorp).

NM_001042492.3(NF1):c.2167del (p.Val723fs)

Gene: NF1 (neurofibromin 1; plus strand). Cytogenetic location: 17q11.2.
Variant type: Deletion.
Coding change: c.2167del on transcript NM_001042492.3 (MANE Select); coding-DNA position 2167, one base deleted (G; older notation c.2167delG).
Protein change: p.Val723fs; shifts the reading frame from valine 723.
Molecular consequence: frameshift variant.
Genome position (GRCh38, 1-based): chr17:31,226,600, G deleted; the last of 4 consecutive G bases (chr17:31,226,597-31,226,600); deleting any one gives the same sequence. VCF-style (leftmost placement, unchanged base first): chr17-31226596-TG-T. GRCh37 (hg19) VCF-style: chr17-29553614-TG-T.
Other names: c.2167delG, p.Val723Trpfs (NM_000267.4); c.2167delG (NM_000267.3); short protein forms V723fs.
Identifiers: ClinVar variation 569878 (VCV000569878.6), dbSNP rs1567847571, ClinGen allele CA891844364.